The following is an entry in ClinVar:

ClinVar aggregate classification (germline): Pathogenic/Likely pathogenic. Review status: criteria provided, multiple submitters, no conflicts (2 of 4 stars). 7 submissions from 7 submitters: Pathogenic (5); Likely pathogenic (1). 1 of the submissions does not count toward it. Last evaluated 2024-12-04.

Conditions:
Maturity-onset diabetes of the young (MODY). Also called: Maturity onset diabetes mellitus in young. Identifiers: Orphanet 552, MedGen C0342276, MONDO:0018911, HP:0004904.
Maturity-onset diabetes of the young type 3. Also called: MODY, type III; MODY type 3. Identifiers: Orphanet 552, MedGen C1838100, MeSH C563933, MONDO:0010894, OMIM 600496. Disease mechanism: loss of function.

Allele frequency attached by ClinVar (database versions not stated): gnomAD exomes below 0.00001.
gnomAD v4.1: 4 of 1,613,838 alleles (0.00025%); highest among the groups gnomAD compares: Non-Finnish European, 0.00034%; no homozygotes.

Submissions (7):

GeneDx
Classification: Pathogenic. Last evaluated: 2024-12-04. Review status: criteria provided, single submitter. Criteria: GeneDx Variant Classification Process June 2021. Collection method: clinical testing. Allele origin: germline.
Comment: Not observed at significant frequency in large population cohorts (gnomAD); In silico analysis supports a deleterious effect on splicing; This variant is associated with the following publications: (PMID: 20210571, 23348805, 12378390, 12107757, 18003757, 26479152, 18838325, 35081418, Solheim_2019[Abstract], 21683639, 16249556)

Labcorp Genetics (formerly Invitae), Labcorp
Classification: Pathogenic. Last evaluated: 2023-07-06. Review status: criteria provided, single submitter. Criteria: Invitae Variant Classification Sherloc (09022015). Collection method: clinical testing. Allele origin: germline.
Comment: This variant is also known as IVS7-6G>A. For these reasons, this variant has been classified as Pathogenic. Studies have shown that this variant alters mRNA splicing and is expected to lead to the loss of protein expression (PMID: 35081418). Experimental studies have shown that this variant affects HNF1A function (PMID: 35081418). Algorithms developed to predict the effect of variants on protein structure and function are not available or were not evaluated for this variant. ClinVar contains an entry for this variant (Variation ID: 972783). This variant has been observed in individuals with maturity-onset diabetes of the young (MODY) (PMID: 16249556, 21683639, 26479152, 35081418). It has also been observed to segregate with disease in related individuals. This variant is present in population databases (no rsID available, gnomAD 0.0009%). This sequence change falls in intron 7 of the HNF1A gene. It does not directly change the encoded amino acid sequence of the HNF1A protein.

Women's Health and Genetics/Laboratory Corporation of America, LabCorp
Classification: Pathogenic for Maturity-onset diabetes of the young. Last evaluated: 2022-04-07. Review status: criteria provided, single submitter. Criteria: LabCorp Variant Classification Summary - May 2015. Collection method: clinical testing. Allele origin: germline.
Comment: Variant summary: HNF1A c.1502-6G>A alters a non-conserved nucleotide located close to a canonical splice site and therefore could affect mRNA splicing, leading to a significantly altered protein sequence. Several computational tools predict a significant impact on normal splicing: One predict the variant abolishes a 3' acceptor site. Four predict the variant creates a 3' acceptor site. Splicing studies using cells expressing the variant confirmed the impact on splicing, where the variant resulted in the skipping of exon 7 and a premature termination codon (Bulman_2002). The variant allele was found at a frequency of 4e-06 in 250674 control chromosomes. c.1502-6G>A has been reported in the literature in multiple individuals affected with Maturity Onset Diabetes Of The Young 3 and was reported to segregate in several affected families (Bulman_2002, Xu_2002, Malecki_2005). One clinical diagnostic laboratory has submitted clinical-significance assessments for this variant to ClinVar after 2014 without evidence for independent evaluation. One laboratory classified the variant as pathogenic. Based on the evidence outlined above, the variant was classified as pathogenic.

Laboratory for Molecular Medicine, Mass General Brigham Personalized Medicine
Classification: Pathogenic for Maturity-onset diabetes of the young. Last evaluated: 2020-11-06. Review status: criteria provided, single submitter. Criteria: ACMG Guidelines, 2015. Collection method: clinical testing. Allele origin: germline.
Comment: The c.1502-6G>A variant in HNF1A has been reported in at least 6 individuals with maturity-onset diabetes of the young (MODY) and segregated with disease in at least 10 affected relatives from 4 families (Malecki 2005 PMID: 16249556, Bulman 2002 PMID: 12378390, Bacon 2016 PMID: 26479152, Xu 2002 PMID: 12107757, Kyithar 2011 PMID: 21683639, Ellard 2013 PMID: 23771172, Skupien 2008 PMID: 18838325, Katra 2010 PMID: 20210571) and has been identified in 0.001% (1/113114) of European chromosomes by gnomAD. This variant is located in the 3' splice region. Computational tools predict a splicing impact with creation of a new acceptor site, though this information is not predictive enough to determine pathogenicity. Functional studies in patient's lymphoblastoid cell lines provide some evidence that this variant causes skipping of exon 7 and use of the new acceptor site in intron 7, ultimately predicting a frameshift with a premature termination codon at position 485 (Bulman 2002 PMID: 12378390). In summary, this variant meets criteria to be classified as pathogenic for autosomal dominant MODY. ACMG/AMP Criteria applied: PM2, PS4_Moderate, PP1_Strong, PP3, PS3_Supporting.

Broad Center for Mendelian Genomics, Broad Institute of MIT and Harvard
Classification: Pathogenic for Maturity-onset diabetes of the young type 3. Last evaluated: 2020-01-22. Review status: criteria provided, single submitter. Criteria: ACMG Guidelines, 2015. Collection method: curation. Allele origin: germline. Inheritance: Autosomal dominant inheritance.
Comment: The c.1502-6G>A variant in HNF1A has been reported in 31 individuals with maturity-onset diabetes of the young, segregated with disease in 13 affected relatives from 4 families (PMID: 16249556, 12378390, 26479152, 12107757, 21683639, 18003757, 18838325, 20210571, 23348805), and has been identified in 0.0009% (1/113114) of European (non-Finnish) chromosomes by the Genome Aggregation Database (gnomAD; dbSNP rs1458430820). Please note that for diseases with clinical variability, or reduced penetrance, pathogenic variants may be present at a low frequency in the general population. The number of reported affected individuals with this variant is greater than expected compared to non-affected individuals with this variant. Computational prediction tools and conservation analyses suggest that this variant may impact the protein, though this information is not predictive enough to determine pathogenicity. The c.1502-6G>A variant affects a region of HNF1A that is essential to protein folding and stability, suggesting that this variant is in a functional domain and slightly supports pathogenicity (Sujjitjoon et al, 2008. In summary, this variant meets criteria to be classified as pathogenic for maturity-onset diabetes of the young in an autosomal dominant manner based on segregation with disease, more affected individuals with the variant than expected, and absence of the variant from the general population. ACMG/AMP Criteria applied: PP1_Strong, PM2, PS4_Moderate, PP3, PM1_Supporting (Richards 2015).

Clinical Genetics Service, Universitary Hospital 12 de Octubre
Classification: Likely pathogenic for Maturity-onset diabetes of the young type 3. Review status: criteria provided, single submitter. Criteria: ACMG Guidelines, 2015. Collection method: clinical testing. Allele origin: germline. Affected: yes.

Clinical Genomics, Uppaluri K&H Personalized Medicine Clinic
Classification: Uncertain risk allele for Maturity-onset diabetes of the young. Review status: flagged submission. Criteria: K & H Uppaluri Personalized Medicine Clinic Variant Classification & Assertion Criteria_Updated V.1. Collection method: research. Allele origin: unknown. Inheritance: Autosomal dominant inheritance. Not counted in ClinVar's aggregate classification.
Comment: Mutations in HNF1A gene can predispose to MODY3. It is associated with both micro and macrovascular complications of diabetes, especially cardiovascular complications. Associated with glucosuria. May respond well to sulfonylureas. However, more evidence is required to confer the association of this particular variant rs1458430820 with MODY3.
ClinVar note: Reason: Outlier claim with insufficient supporting evidence

Literature cited by the submitters: PubMed 35081418 (cited by Labcorp Genetics (formerly Invitae), Labcorp); PubMed 16249556 (cited by 4 submitters); PubMed 21683639 (cited by 3 submitters); PubMed 26479152 (cited by 3 submitters); PubMed 12378390 (cited by 3 submitters); PubMed 12107757 (cited by 3 submitters); PubMed 18838325 (cited by Laboratory for Molecular Medicine, Mass General Brigham Personalized Medicine and Broad Center for Mendelian Genomics, Broad Institute of MIT and Harvard); PubMed 23771172 (cited by Laboratory for Molecular Medicine, Mass General Brigham Personalized Medicine); PubMed 20210571 (cited by Laboratory for Molecular Medicine, Mass General Brigham Personalized Medicine and Broad Center for Mendelian Genomics, Broad Institute of MIT and Harvard); PubMed 18003757 (cited by Broad Center for Mendelian Genomics, Broad Institute of MIT and Harvard); PubMed 23348805 (cited by Broad Center for Mendelian Genomics, Broad Institute of MIT and Harvard); PubMed 31517624 (cited by Clinical Genomics, Uppaluri K&H Personalized Medicine Clinic); PubMed 32395877 (cited by Clinical Genomics, Uppaluri K&H Personalized Medicine Clinic); PubMed 35328643 (cited by Clinical Genomics, Uppaluri K&H Personalized Medicine Clinic); PubMed 35673428 (cited by Clinical Genomics, Uppaluri K&H Personalized Medicine Clinic).

NM_000545.8(HNF1A):c.1502-6G>A

Gene: HNF1A (HNF1 homeobox A; plus strand). Cytogenetic location: 12q24.31.
Variant type: single nucleotide variant.
Coding change: c.1502-6G>A on transcript NM_000545.8 (MANE Select); 6 bases into the intron before coding-DNA position 1502, G replaced by A.
Molecular consequence: intron variant.
Genome position (GRCh38, 1-based): chr12:120,999,262, G>A. VCF-style: chr12-120999262-G-A. GRCh37 (hg19) VCF-style: chr12-121437065-G-A.
Other names: c.1502-6G>A (NM_001306179.2).
Identifiers: ClinVar variation 972783 (VCV000972783.11), dbSNP rs1458430820, ClinGen allele CA608060133.